The following is an entry in ClinVar:

NM_000059.4(BRCA2):c.3217C>T (p.Gln1073Ter)

Gene: BRCA2 (BRCA2 DNA repair associated; plus strand). Cytogenetic location: 13q13.1.
Variant type: single nucleotide variant.
Coding change: c.3217C>T on transcript NM_000059.4 (MANE Select); coding-DNA position 3217, C replaced by T.
Protein change: p.Gln1073Ter; replaces glutamine 1073 with a stop codon.
Molecular consequence: nonsense.
Genome position (GRCh38, 1-based): chr13:32,337,572, C>T. VCF-style: chr13-32337572-C-T. GRCh37 (hg19) VCF-style: chr13-32911709-C-T.
Other names: 3445C>T (Q1073X); short protein forms Q1073*.
Identifiers: ClinVar variation 266739 (VCV000266739.19), dbSNP rs886040464, ClinGen allele CA10589191.

ClinVar aggregate classification (germline): Pathogenic. Review status: reviewed by expert panel (3 of 4 stars). 5 submissions from 5 submitters: Pathogenic (1). 4 of the submissions do not count toward it. Last evaluated 2016-10-18.

Conditions:
Hereditary cancer-predisposing syndrome. Also called: Tumor predisposition; Neoplastic Syndromes, Hereditary; Hereditary neoplastic syndrome; Hereditary Cancer Syndrome. Identifiers: Orphanet 140162, MedGen C0027672, MeSH D009386, MONDO:0015356.
Hereditary breast ovarian cancer syndrome. Also called: Hereditary breast and ovarian cancer; Hereditary breast and ovarian cancer syndrome (HBOC); Hereditary breast and/or ovarian cancer syndrome; Breast and ovarian cancer; Hereditary breast and ovarian cancer syndrome; BRCA1- and BRCA2-Associated Hereditary Breast and Ovarian Cancer. Identifiers: Orphanet 145, MedGen C0677776, MeSH D061325, MONDO:0003582. Disease mechanism: loss of function.
Breast-ovarian cancer, familial, susceptibility to, 2 (BROVCA2). Also called: BRCA2 Hereditary Breast and Ovarian Cancer. Identifiers: Orphanet 145, MedGen C2675520, MONDO:0012933, OMIM 612555. Disease mechanism: loss of function.

Submissions (5):

Evidence-based Network for the Interpretation of Germline Mutant Alleles (ENIGMA)
Classification: Pathogenic for Breast-ovarian cancer, familial, susceptibility to, 2. Last evaluated: 2016-10-18. Review status: reviewed by expert panel. Criteria: ENIGMA BRCA1/2 Classification Criteria (2015). Collection method: curation. Allele origin: germline.
Comment: Variant allele predicted to encode a truncated non-functional protein.

Labcorp Genetics (formerly Invitae), Labcorp
Classification: Pathogenic for Hereditary breast ovarian cancer syndrome. Last evaluated: 2023-06-18. Review status: criteria provided, single submitter. Criteria: Invitae Variant Classification Sherloc (09022015). Collection method: clinical testing. Allele origin: germline. Not counted in ClinVar's aggregate classification.
Comment: ClinVar contains an entry for this variant (Variation ID: 266739). This premature translational stop signal has been observed in individual(s) with breast and/or ovarian cancer and also an individual at high risk for breast and/or ovarian cancer (PMID: 28294317, 28724667, 29446198). This variant is not present in population databases (gnomAD no frequency). This sequence change creates a premature translational stop signal (p.Gln1073*) in the BRCA2 gene. It is expected to result in an absent or disrupted protein product. Loss-of-function variants in BRCA2 are known to be pathogenic (PMID: 20104584). For these reasons, this variant has been classified as Pathogenic.

Women's Health and Genetics/Laboratory Corporation of America, LabCorp
Classification: Pathogenic for Hereditary breast and ovarian cancer syndrome. Last evaluated: 2018-04-26. Review status: criteria provided, single submitter. Criteria: LabCorp Variant Classification Summary - May 2015. Collection method: clinical testing. Allele origin: germline. Not counted in ClinVar's aggregate classification.
Comment: Variant summary: BRCA2 c.3217C>T (p.Gln1073X) results in a premature termination codon, predicted to cause a truncation of the encoded protein or absence of the protein due to nonsense mediated decay, which are commonly known mechanisms for disease. Truncations downstream of this position have been classified as pathogenic by our laboratory (eg. c.3226_3230delGTAGT, p.Val1076fsX3; c.3264dupT, p.Gln1089fsX10; c.3362C>G, p.Ser1121X). The variant was absent in 119496 control chromosomes (ExAC). The variant, c.3217C>T, has been reported in the literature in individuals affected with Hereditary Breast and Ovarian Cancer (Lang_2017, Sun_2017). These data indicate that the variant is likely to be associated with disease. To our knowledge, no experimental evidence demonstrating an impact on protein function has been reported. Three clinical diagnostic laboratories have submitted clinical-significance assessments for this variant to ClinVar after 2014 without evidence for independent evaluation and classified the variant as pathogenic. Based on the evidence outlined above, the variant was classified as pathogenic.

Ambry Genetics
Classification: Pathogenic for Hereditary cancer-predisposing syndrome. Last evaluated: 2017-08-22. Review status: criteria provided, single submitter. Criteria: Ambry Variant Classification Scheme 2023. Collection method: clinical testing. Allele origin: germline. Not counted in ClinVar's aggregate classification.
Comment: The p.Q1073* pathogenic mutation (also known as c.3217C>T), located in coding exon 10 of the BRCA2 gene, results from a C to T substitution at nucleotide position 3217. This changes the amino acid from a glutamine to a stop codon within coding exon 10. This mutation was identified in 1/2991 Chinese breast cancer patients and in 0/1043 healthy controls (Lang GT et al. Int. J. Cancer 2017 Jul;141:129-142). In addition to the clinical data presented in the literature, this alteration is expected to result in loss of function by premature protein truncation or nonsense-mediated mRNA decay. As such, this alteration is interpreted as a disease-causing mutation.

Consortium of Investigators of Modifiers of BRCA1/2 (CIMBA), c/o University of Cambridge
Classification: Pathogenic for Breast-ovarian cancer, familial, susceptibility to, 2. Last evaluated: 2015-10-02. Review status: criteria provided, single submitter. Criteria: CIMBA Mutation Classification guidelines May 2016. Collection method: clinical testing. Allele origin: germline. Not counted in ClinVar's aggregate classification.

Literature cited by the submitters: PubMed 28294317 (cited by 3 submitters); PubMed 28724667 (cited by Labcorp Genetics (formerly Invitae), Labcorp); PubMed 29446198 (cited by Labcorp Genetics (formerly Invitae), Labcorp); PubMed 20104584 (cited by Labcorp Genetics (formerly Invitae), Labcorp).